The following is an entry in ClinVar:

ClinVar aggregate classification (germline): Uncertain significance. Review status: criteria provided, multiple submitters, no conflicts (2 of 4 stars). 2 submissions from 2 submitters: Uncertain significance (2). Last evaluated 2022-04-05.

Conditions:
Dilated cardiomyopathy 1G (CMD1G). Identifiers: Orphanet 154, MedGen C1858763, MONDO:0011400, OMIM 604145.
Autosomal recessive limb-girdle muscular dystrophy type 2J (LGMDR10). Also called: Limb-girdle muscular dystrophy, type 2J; MUSCULAR DYSTROPHY, LIMB-GIRDLE, AUTOSOMAL RECESSIVE 10. Identifiers: Orphanet 140922, MedGen C1837342, MONDO:0012127, OMIM 608807.

Allele frequency attached by ClinVar (database versions not stated): gnomAD exomes below 0.00001; ExAC 0.00001; gnomAD 0.00001.
gnomAD v4.1: 4 of 1,613,318 alleles (0.00025%); highest among the groups gnomAD compares: Non-Finnish European, 0.00034%; no homozygotes.

Submissions (3):

Women's Health and Genetics/Laboratory Corporation of America, LabCorp
Classification: Uncertain significance. Last evaluated: 2022-04-05. Review status: criteria provided, single submitter. Criteria: LabCorp Variant Classification Summary - May 2015. Collection method: clinical testing. Allele origin: germline.

Labcorp Genetics (formerly Invitae), Labcorp
Classification: Uncertain significance for Dilated cardiomyopathy 1G; Autosomal recessive limb-girdle muscular dystrophy type 2J. Last evaluated: 2021-11-26. Review status: criteria provided, single submitter. Criteria: Invitae Variant Classification Sherloc (09022015). Collection method: clinical testing. Allele origin: germline.
Comment: Algorithms developed to predict the effect of sequence changes on RNA splicing suggest that this variant may create or strengthen a splice site. In summary, the available evidence is currently insufficient to determine the role of this variant in disease. Therefore, it has been classified as a Variant of Uncertain Significance. This variant is located in the A band of TTN (PMID: 25589632). Variants in this region may be relevant for cardiac or neuromuscular disorders (PMID: 25589632, 23975875). Experimental studies and prediction algorithms are not available or were not evaluated, and the functional significance of this variant is currently unknown. ClinVar contains an entry for this variant (Variation ID: 569919). This variant has not been reported in the literature in individuals affected with TTN-related conditions. This variant is present in population databases (rs755225678, gnomAD 0.0009%). This sequence change replaces isoleucine, which is neutral and non-polar, with methionine, which is neutral and non-polar, at codon 25683 of the TTN protein (p.Ile25683Met).

Dr. Peter K. Rogan Lab, Western University
No classification provided (evidence only). Condition: Nonpapillary renal cell carcinoma. Review status: no classification provided. Collection method: in vitro. Allele origin: not applicable. Functional consequence: retained intron. Not counted in ClinVar's aggregate classification.

Literature cited by the submitters: PubMed 25589632 (cited by Labcorp Genetics (formerly Invitae), Labcorp); PubMed 23975875 (cited by Labcorp Genetics (formerly Invitae), Labcorp).

NM_001267550.2(TTN):c.77049T>G (p.Ile25683Met)

Genes: TTN (titin; minus strand), TTN-AS1 (TTN antisense RNA 1; plus strand). Cytogenetic location: 2q31.2.
Variant type: single nucleotide variant.
Coding change: c.77049T>G on transcript NM_001267550.2 (MANE Select); coding-DNA position 77049, T replaced by G.
Protein change: p.Ile25683Met; replaces isoleucine 25683 with methionine.
Molecular consequence: missense variant.
Genome position (GRCh38, 1-based): chr2:178,569,083, A>C on the plus strand (T>G on the coding strand, the complement: TTN is on the minus strand). VCF-style: chr2-178569083-A-C. GRCh37 (hg19) VCF-style: chr2-179433810-A-C.
Other names: c.50229T>G, p.Ile16743Met (NM_133432.3); c.50430T>G, p.Ile16810Met (NM_133437.4); c.49854T>G, p.Ile16618Met (NM_003319.4); c.69345T>G, p.Ile23115Met (NM_133378.4); c.72126T>G, p.Ile24042Met (NM_001256850.1); short protein forms I25683M, I16810M, I16743M, I16618M, I23115M, I24042M.
Identifiers: ClinVar variation 569919 (VCV000569919.8), dbSNP rs755225678, ClinGen allele CA1989827.